The following is an entry in ClinVar:

ClinVar aggregate classification (germline): Pathogenic (0 of 4 stars; one submission).

Conditions:
Fanconi anemia complementation group A (FANCA). Also called: Fanconi anemia, group A; FANCA-Related Fanconi Anemia. Identifiers: Orphanet 84, MedGen C3469521, MONDO:0009215, OMIM 227650.

gnomAD v4.1: 2 of 1,614,054 alleles (0.00012%); highest among the groups gnomAD compares: Non-Finnish European, 0.00017%; no homozygotes.

Submission:

Leiden Open Variation Database
Classification: Pathogenic for Fanconi anemia complementation group A. Last evaluated: 2020-02-28. Review status: no assertion criteria provided. Collection method: curation. Allele origin: germline. Affected: yes.
Comment: Curator: Arleen D. Auerbach. Submitter to LOVD: Arleen D. Auerbach.

Literature cited by the submitters: PubMed 10094191; PubMed 10521298; PubMed 12444097.

NM_000135.4(FANCA):c.1792G>A (p.Asp598Asn)

Gene: FANCA (FA complementation group A; minus strand). Cytogenetic location: 16q24.3.
Variant type: single nucleotide variant.
Coding change: c.1792G>A on transcript NM_000135.4 (MANE Select); coding-DNA position 1792, G replaced by A.
Protein change: p.Asp598Asn; replaces aspartic acid 598 with asparagine.
Molecular consequence: missense variant.
Genome position (GRCh38, 1-based): chr16:89,778,835, C>T on the plus strand (G>A on the coding strand, the complement: FANCA is on the minus strand). VCF-style: chr16-89778835-C-T. GRCh37 (hg19) VCF-style: chr16-89845243-C-T.
Other names: c.1792G>A, p.Asp598Asn (NM_001286167.3); short protein forms D598N.
Identifiers: ClinVar variation 974125 (VCV000974125.1), dbSNP rs2039605345, ClinGen allele CA397454528.